The following is an entry in ClinVar:

ClinVar aggregate classification (germline): Conflicting classifications of pathogenicity. Review status: criteria provided, conflicting classifications (1 of 4 stars). 3 submissions from 3 submitters: Uncertain significance (2); Likely benign (1). Last evaluated 2022-12-05.

Conditions:
Inborn genetic diseases. Identifiers: MedGen C0950123, MeSH D030342.

Allele frequency attached by ClinVar (database versions not stated): ExAC 0.00001; gnomAD exomes 0.00001 and 0.00002; gnomAD 0.00002; TOPMed 0.00002.
gnomAD v4.1: 9 of 1,209,429 alleles (0.00074%); highest among the groups gnomAD compares: African/African-American, 0.007%; no homozygotes.

Submissions (3):

Labcorp Genetics (formerly Invitae), Labcorp
Classification: Likely benign. Last evaluated: 2022-12-05. Review status: criteria provided, single submitter. Criteria: Invitae Variant Classification Sherloc (09022015). Collection method: clinical testing. Allele origin: germline.

Women's Health and Genetics/Laboratory Corporation of America, LabCorp
Classification: Uncertain significance. Last evaluated: 2022-04-14. Review status: criteria provided, single submitter. Criteria: LabCorp Variant Classification Summary - May 2015. Collection method: clinical testing. Allele origin: germline.
Comment: Variant summary: HUWE1 c.6149G>A (p.Arg2050Gln) results in a conservative amino acid change in the encoded protein sequence. Five of five in-silico tools predict a benign effect of the variant on protein function. The variant allele was found at a frequency of 1.9e-05 in 205237 control chromosomes, including one hemizygote (gnomAD). The available data on variant occurrences in the general population are insufficient to allow any conclusion about variant significance. To our knowledge, no occurrence of c.6149G>A in individuals affected with Intellectual Disability, X-Linked Syndromic, Turner Type and no experimental evidence demonstrating its impact on protein function have been reported. One ClinVar submitter has assessed the variant since 2014: the variant was classified as of uncertain significance. Based on the evidence outlined above, the variant was classified as uncertain significance.

Ambry Genetics
Classification: Uncertain significance for Inborn genetic diseases. Last evaluated: 2017-05-24. Review status: criteria provided, single submitter. Criteria: Ambry exome assertion method (8-5-2015). Collection method: clinical testing. Allele origin: germline. Affected: yes. Observed: 1 variant allele.

NM_031407.7(HUWE1):c.6149G>A (p.Arg2050Gln)

Gene: HUWE1 (HECT, UBA and WWE domain containing E3 ubiquitin protein ligase 1; minus strand). Cytogenetic location: Xp11.22.
Variant type: single nucleotide variant.
Coding change: c.6149G>A on transcript NM_031407.7 (MANE Select); coding-DNA position 6149, G replaced by A.
Protein change: p.Arg2050Gln; replaces arginine 2050 with glutamine.
Molecular consequence: missense variant.
Genome position (GRCh38, 1-based): chrX:53,573,913, C>T on the plus strand (G>A on the coding strand, the complement: HUWE1 is on the minus strand). VCF-style: chrX-53573913-C-T. GRCh37 (hg19) VCF-style: chrX-53600873-C-T.
Other names: short protein forms R2050Q.
Identifiers: ClinVar variation 521794 (VCV000521794.8), dbSNP rs782428636, ClinGen allele CA10422129.